The following is an entry in ClinVar:

ClinVar aggregate classification (germline): Uncertain significance. Review status: criteria provided, multiple submitters, no conflicts (2 of 4 stars). 7 submissions from 7 submitters: Uncertain significance (4). 3 of the submissions do not count toward it. Last evaluated 2026-02-02.

Conditions:
Hyperphosphatasia with impaired intellectual development syndrome 2. Also called: GLYCOSYLPHOSPHATIDYLINOSITOL BIOSYNTHESIS DEFECT 6; Hyperphosphatasia with intellectual disability syndrome 2. Identifiers: Orphanet 247262, MedGen C3553637, MONDO:0013882, OMIM 614749.
Inborn genetic diseases. Identifiers: MedGen C0950123, MeSH D030342.

Allele frequency attached by ClinVar (database versions not stated): ExAC 0.00005; gnomAD exomes 0.00008 and 0.00006; TOPMed 0.00009; gnomAD 0.00009 and 0.00010.

Submissions (7):

Labcorp Genetics (formerly Invitae), Labcorp
Classification: Uncertain significance for Hyperphosphatasia with impaired intellectual development syndrome 2. Last evaluated: 2026-02-02. Review status: criteria provided, single submitter. Criteria: Invitae Variant Classification Sherloc (09022015). Collection method: clinical testing. Allele origin: germline.
Comment: This sequence change replaces methionine, which is neutral and non-polar, with valine, which is neutral and non-polar, at codon 132 of the PIGO protein (p.Met132Val). This variant is present in population databases (rs772678647, gnomAD 0.02%). This variant has not been reported in the literature in individuals affected with PIGO-related conditions. ClinVar contains an entry for this variant (Variation ID: 473232). Invitae Evidence Modeling of protein sequence and biophysical properties (such as structural, functional, and spatial information, amino acid conservation, physicochemical variation, residue mobility, and thermodynamic stability) has been performed for this missense variant. However, the output from this modeling did not meet the statistical confidence thresholds required to predict the impact of this variant on PIGO protein function. In summary, the available evidence is currently insufficient to determine the role of this variant in disease. Therefore, it has been classified as a Variant of Uncertain Significance.

Ambry Genetics
Classification: Uncertain significance for Inborn genetic diseases. Last evaluated: 2024-05-16. Review status: criteria provided, single submitter. Criteria: Ambry Variant Classification Scheme 2023. Collection method: clinical testing. Allele origin: germline.

Blueprint Genetics
Classification: Uncertain significance. Last evaluated: 2023-12-29. Review status: criteria provided, single submitter. Criteria: ACMG Guidelines, 2015. Collection method: clinical testing. Allele origin: germline.

GeneDx
Classification: Uncertain significance. Last evaluated: 2019-09-09. Review status: criteria provided, single submitter. Criteria: GeneDx Variant Classification Process June 2021. Collection method: clinical testing. Allele origin: germline. Affected: yes.
Comment: Has not been previously published as pathogenic or benign to our knowledge; Not observed at a significant frequency in large population cohorts (Lek et al., 2016); In silico analysis, which includes protein predictors and evolutionary conservation, supports a deleterious effect

Clinical Genetics DNA and cytogenetics Diagnostics Lab, Erasmus MC, Erasmus Medical Center
Classification: Uncertain significance. Review status: no assertion criteria provided. Collection method: clinical testing. Allele origin: germline. Affected: yes. Study: VKGL Data-share Consensus. Not counted in ClinVar's aggregate classification.

Joint Genome Diagnostic Labs from Nijmegen and Maastricht, Radboudumc and MUMC+
Classification: Uncertain significance. Review status: no assertion criteria provided. Collection method: clinical testing. Allele origin: germline. Affected: yes. Study: VKGL Data-share Consensus. Not counted in ClinVar's aggregate classification.

Laboratory of Diagnostic Genome Analysis, Leiden University Medical Center (LUMC)
Classification: Uncertain significance. Review status: no assertion criteria provided. Collection method: clinical testing. Allele origin: germline. Affected: yes. Study: VKGL Data-share Consensus. Not counted in ClinVar's aggregate classification.

NM_032634.4(PIGO):c.394A>G (p.Met132Val)

Gene: PIGO (phosphatidylinositol glycan anchor biosynthesis class O; minus strand). Cytogenetic location: 9p13.3.
Variant type: single nucleotide variant.
Coding change: c.394A>G on transcript NM_032634.4 (MANE Select); coding-DNA position 394, A replaced by G.
Protein change: p.Met132Val; replaces methionine 132 with valine.
Molecular consequence: missense variant.
Genome position (GRCh38, 1-based): chr9:35,095,172, T>C on the plus strand (A>G on the coding strand, the complement: PIGO is on the minus strand). VCF-style: chr9-35095172-T-C. GRCh37 (hg19) VCF-style: chr9-35095169-T-C.
Other names: c.394A>G, p.Met132Val (NM_001201484.2, NM_152850.4); short protein forms M132V.
Identifiers: ClinVar variation 473232 (VCV000473232.17), dbSNP rs772678647, ClinGen allele CA5040952.
Genomic context (GRCh38, chr9:35,095,172, plus strand): 5'-TACTACCAGCATCAATAAAGGTAGGCAGTGAGCCAGTGGTGAGGGCCTTGAGGCGCTGCA[T>C]GGTGGTGGTAGGAGGGTCAACCTGAGATCGGTAGAGCCGGGCATGGTGGGGCTGAATCTC-3'
Protein context (NP_116023.2, residues 122-142): RSQVDPPTTT[Met132Val]QRLKALTTGS